The following is an entry in ClinVar:

NM_004727.3(SLC24A1):c.95T>A (p.Leu32Ter)

Gene: SLC24A1 (solute carrier family 24 member 1; plus strand). Cytogenetic location: 15q22.31.
Variant type: single nucleotide variant.
Coding change: c.95T>A on transcript NM_004727.3 (MANE Select); coding-DNA position 95, T replaced by A.
Protein change: p.Leu32Ter; replaces leucine 32 with a stop codon.
Molecular consequence: nonsense.
Genome position (GRCh38, 1-based): chr15:65,624,175, T>A. VCF-style: chr15-65624175-T-A. GRCh37 (hg19) VCF-style: chr15-65916513-T-A.
Other names: c.95T>A, p.Leu32Ter (NM_001301031.1, NM_001301032.1, NM_001301033.2); short protein forms L32*.
Identifiers: ClinVar variation 560509 (VCV000560509.3), dbSNP rs1566945534, ClinGen allele CA392912392.
Genomic context (GRCh38, chr15:65,624,175, plus strand): 5'-GGTGGTTACTCCGGACAAAGCGGCTTCATTGGAGTCGCCTCCTCTTCTTACTGGGAATGT[T>A]GATCATCGGTTCTACTTATCAGCACCTTAGGAGACCCCGGGGCCTTTCCTCATTGTGGGC-3'

ClinVar aggregate classification (germline): Pathogenic. Review status: criteria provided, single submitter (1 of 4 stars). 2 submissions from 2 submitters: Pathogenic (1). 1 of the submissions does not count toward it. Last evaluated 2024-03-03.

Conditions:
Congenital stationary night blindness 1D. Also called: Night blindness, congenital stationary (complete), 1D, autosomal recessive. Identifiers: Orphanet 215, MedGen C3151193, MONDO:0013450, OMIM 613830.
Retinitis pigmentosa (RP). Identifiers: Orphanet 791, MedGen C0035334, MeSH D012174, MONDO:0019200, OMIM 268000. Inheritance: Autosomal dominant, autosomal recessive and X linked inheritance.

Allele frequency attached by ClinVar (database versions not stated): gnomAD exomes below 0.00001; TOPMed 0.00001.
gnomAD v4.1: 3 of 1,613,900 alleles (0.00019%); highest among the groups gnomAD compares: Middle Eastern, 0.016%; no homozygotes.

Submissions (2):

3billion
Classification: Pathogenic for Congenital stationary night blindness 1D. Last evaluated: 2024-03-03. Review status: criteria provided, single submitter. Criteria: ACMG Guidelines, 2015. Collection method: clinical testing. Allele origin: germline. Affected: yes.
Comment: The variant is not observed in the gnomAD v2.1.1 dataset. Predicted Consequence/Location: Stop-gained (nonsense): predicted to result in a loss or disruption of normal protein function through nonsense-mediated decay (NMD) or protein truncation. Multiple pathogenic variants are reported downstream of the variant. The variant has been reported to be associated with SLC24A1 related disorder (ClinVar ID: VCV000560509 /PMID: 35486108 /3billion dataset). Therefore, this variant is classified as Pathogenic according to the recommendation of ACMG/AMP guideline.

Joint Genome Diagnostic Labs from Nijmegen and Maastricht, Radboudumc and MUMC+
Classification: Pathogenic for Retinitis pigmentosa. Last evaluated: 2016-09-01. Review status: no assertion criteria provided. Collection method: clinical testing. Allele origin: unknown. Affected: yes. Observed: 1 variant allele. Not counted in ClinVar's aggregate classification.

Literature cited by the submitters: PubMed 35486108 (cited by 3billion).